The following is an entry in ClinVar:

NM_002397.5(MEF2C):c.810+2T>C

Gene: MEF2C (myocyte enhancer factor 2C; minus strand). Cytogenetic location: 5q14.3.
Variant type: single nucleotide variant.
Coding change: c.810+2T>C on transcript NM_002397.5 (MANE Select); the canonical splice donor site of the intron after coding-DNA position 810, T replaced by C.
Molecular consequence: splice donor variant.
Genome position (GRCh38, 1-based): chr5:88,731,727, A>G on the plus strand (T>C on the coding strand, the complement: MEF2C is on the minus strand). VCF-style: chr5-88731727-A-G. GRCh37 (hg19) VCF-style: chr5-88027544-A-G.
Other names: c.810+2T>C (NM_001364329.2, NM_001364330.2, NM_001364333.2 and 18 more transcripts); c.666+2T>C (NM_001364344.2, NM_001364354.2, NM_001364332.2 and 3 more transcripts); c.432+2T>C (NM_001364353.2, NM_001364356.2); c.804+2T>C (NM_001131005.2, NM_001364352.2, NM_001364343.2); c.864+2T>C (NM_001193347.1, NM_001364338.2); c.384+2T>C (NM_001364357.2).
Identifiers: ClinVar variation 2755205 (VCV002755205.3), dbSNP rs2547078813, ClinGen allele CA360423142.

ClinVar aggregate classification (germline): Likely pathogenic (1 of 4 stars; one submission).

Conditions:
Neurodevelopmental disorder with hypotonia, stereotypic hand movements, and impaired language. Also called: Intellectual disability, autosomal dominant 20. Identifiers: Orphanet 228384, Orphanet 664410, MedGen C3150700, MONDO:0013266, OMIM 613443.

Submission:

Labcorp Genetics (formerly Invitae), Labcorp
Classification: Likely pathogenic for Neurodevelopmental disorder with hypotonia, stereotypic hand movements, and impaired language. Last evaluated: 2023-10-12. Review status: criteria provided, single submitter. Criteria: Invitae Variant Classification Sherloc (09022015). Collection method: clinical testing. Allele origin: germline.
Comment: This sequence change affects a donor splice site in intron 7 of the MEF2C gene. It is expected to disrupt RNA splicing. Variants that disrupt the donor or acceptor splice site typically lead to a loss of protein function (PMID: 16199547), and loss-of-function variants in MEF2C are known to be pathogenic (PMID: 20513142). This variant is not present in population databases (gnomAD no frequency). This variant has not been reported in the literature in individuals affected with MEF2C-related conditions. Algorithms developed to predict the effect of sequence changes on RNA splicing suggest that this variant may disrupt the consensus splice site. In summary, the currently available evidence indicates that the variant is pathogenic, but additional data are needed to prove that conclusively. Therefore, this variant has been classified as Likely Pathogenic.

Literature cited by the submitters: PubMed 16199547; PubMed 20513142.